The following is an entry in ClinVar:

ClinVar aggregate classification (germline): Uncertain significance (1 of 4 stars; one submission).

Conditions:
Senior-Loken syndrome 7 (SLSN7). Identifiers: Orphanet 3156, MedGen C3150877, MONDO:0013326, OMIM 613615.
Bardet-Biedl syndrome 16 (BBS16). Identifiers: Orphanet 110, MedGen C3889474, MONDO:0014444, OMIM 615993.

Allele frequency attached by ClinVar (database versions not stated): TOPMed below 0.00001; gnomAD exomes 0.00001.
gnomAD v4.1: 10 of 1,614,090 alleles (0.00062%); highest among the groups gnomAD compares: Non-Finnish European, 0.00085%; no homozygotes.

Submission:

Labcorp Genetics (formerly Invitae), Labcorp
Classification: Uncertain significance for Bardet-Biedl syndrome 16; Senior-Loken syndrome 7. Last evaluated: 2022-05-28. Review status: criteria provided, single submitter. Criteria: Invitae Variant Classification Sherloc (09022015). Collection method: clinical testing. Allele origin: germline.
Comment: In summary, the available evidence is currently insufficient to determine the role of this variant in disease. Therefore, it has been classified as a Variant of Uncertain Significance. Algorithms developed to predict the effect of missense changes on protein structure and function are either unavailable or do not agree on the potential impact of this missense change (SIFT: "Deleterious"; PolyPhen-2: "Probably Damaging"; Align-GVGD: "Class C0"). This variant has not been reported in the literature in individuals affected with SDCCAG8-related conditions. This variant is present in population databases (no rsID available, gnomAD 0.002%). This sequence change replaces glutamine, which is neutral and polar, with proline, which is neutral and non-polar, at codon 360 of the SDCCAG8 protein (p.Gln360Pro).

NM_006642.5(SDCCAG8):c.1079A>C (p.Gln360Pro)

Gene: SDCCAG8 (SHH signaling and ciliogenesis regulator SDCCAG8; plus strand). Cytogenetic location: 1q43.
Variant type: single nucleotide variant.
Coding change: c.1079A>C on transcript NM_006642.5 (MANE Select); coding-DNA position 1079, A replaced by C.
Protein change: p.Gln360Pro; replaces glutamine 360 with proline.
Molecular consequence: missense variant.
Genome position (GRCh38, 1-based): chr1:243,330,550, A>C. VCF-style: chr1-243330550-A-C. GRCh37 (hg19) VCF-style: chr1-243493852-A-C.
Other names: c.176A>C, p.Gln59Pro (NM_001350246.2, NM_001350247.2, NM_001350251.2); c.1175A>C, p.Gln392Pro (NM_001350248.2); c.785A>C, p.Gln262Pro (NM_001350249.2); short protein forms Q59P, Q360P, Q392P, Q262P.
Identifiers: ClinVar variation 2195568 (VCV002195568.4), dbSNP rs1281285070, ClinGen allele CA345482462.